The following is an entry in ClinVar:

NM_000334.4(SCN4A):c.2609C>T (p.Ala870Val)

Genes: GH-LCR (growth hormone locus control region; plus strand), SCN4A (sodium voltage-gated channel alpha subunit 4; minus strand). Cytogenetic location: 17q23.3.
Variant type: single nucleotide variant.
Coding change: c.2609C>T on transcript NM_000334.4 (MANE Select); coding-DNA position 2609, C replaced by T.
Protein change: p.Ala870Val; replaces alanine 870 with valine.
Molecular consequence: missense variant.
Genome position (GRCh38, 1-based): chr17:63,951,668, G>A on the plus strand (C>T on the coding strand, the complement: SCN4A is on the minus strand). VCF-style: chr17-63951668-G-A. GRCh37 (hg19) VCF-style: chr17-62029028-G-A.
Other names: short protein forms A870V.
Identifiers: ClinVar variation 970870 (VCV000970870.9), dbSNP rs764806517, ClinGen allele CA8709550.

ClinVar aggregate classification (germline): Uncertain significance. Review status: criteria provided, multiple submitters, no conflicts (2 of 4 stars). 2 submissions from 2 submitters: Uncertain significance (2). Last evaluated 2025-07-28.

Conditions:
Potassium-aggravated myotonia. Also called: Myotonia congenita, atypical, acetazolamide-responsive; MYOTONIA CONGENITA, ACETAZOLAMIDE-RESPONSIVE; MYOTONIA CONGENITA, ATYPICAL; SODIUM CHANNEL MUSCLE DISEASE. Identifiers: Orphanet 612, Orphanet 99734, Orphanet 99735, Orphanet 99736, MedGen C2931826, MONDO:0018959, OMIM 608390.
Congenital myasthenic syndrome 16. Identifiers: Orphanet 590, MedGen C3280112, MONDO:0013620, OMIM 614198.
Paramyotonia congenita of Von Eulenburg. Also called: Paramyotonia Congenita; PARALYSIS PERIODICA PARAMYOTONICA; Eulenburg disease; Myotonia congenita intermittens; Von Eulenburg paramyotonia congenita. Identifiers: Orphanet 684, MedGen C0221055, MONDO:0008195, OMIM 168300. Disease mechanism: loss of function.
Hypokalemic periodic paralysis, type 2 (HOKPP2). Identifiers: Orphanet 681, MedGen C2750061, MONDO:0013234, OMIM 613345.
Congenital myopathy 22A, classic (CMYO22A). Identifiers: MedGen C5830453, MONDO:0957247, OMIM 620351.
Congenital myopathy 22B, severe fetal (CMYO22B). Identifiers: MedGen C5830501, MONDO:0957265, OMIM 620369.
Hyperkalemic periodic paralysis. Also called: Familial hyperkalemic periodic paralysis; Gamstorp disease. Identifiers: Orphanet 682, MedGen C0238357, MONDO:0008224, OMIM 170500, HP:0007215.

Allele frequency attached by ClinVar (database versions not stated): gnomAD exomes 0.00003 and 0.00002; TOPMed 0.00002; gnomAD 0.00001.

Submissions (2):

Labcorp Genetics (formerly Invitae), Labcorp
Classification: Uncertain significance for Hyperkalemic periodic paralysis. Last evaluated: 2025-07-28. Review status: criteria provided, single submitter. Criteria: Invitae Variant Classification Sherloc (09022015). Collection method: clinical testing. Allele origin: germline.
Comment: This sequence change replaces alanine, which is neutral and non-polar, with valine, which is neutral and non-polar, at codon 870 of the SCN4A protein (p.Ala870Val). This variant is present in population databases (rs764806517, gnomAD 0.008%). This variant has not been reported in the literature in individuals affected with SCN4A-related conditions. ClinVar contains an entry for this variant (Variation ID: 970870). Invitae Evidence Modeling of protein sequence and biophysical properties (such as structural, functional, and spatial information, amino acid conservation, physicochemical variation, residue mobility, and thermodynamic stability) indicates that this missense variant is not expected to disrupt SCN4A protein function with a negative predictive value of 95%. In summary, the available evidence is currently insufficient to determine the role of this variant in disease. Therefore, it has been classified as a Variant of Uncertain Significance.

Fulgent Genetics
Classification: Uncertain significance for Paramyotonia congenita of Von Eulenburg; Hyperkalemic periodic paralysis; Potassium-aggravated myotonia; Hypokalemic periodic paralysis, type 2; Congenital myasthenic syndrome 16; Congenital myopathy 22A, classic; Congenital myopathy 22B, severe fetal. Last evaluated: 2024-03-25. Review status: criteria provided, single submitter. Criteria: ACMG Guidelines, 2015. Collection method: clinical testing. Allele origin: germline.